The following is an entry in ClinVar:

NM_000535.7(PMS2):c.761A>T (p.Glu254Val)

Gene: PMS2 (PMS1 homolog 2, mismatch repair system component; minus strand). Cytogenetic location: 7p22.1.
Variant type: single nucleotide variant.
Coding change: c.761A>T on transcript NM_000535.7 (MANE Select); coding-DNA position 761, A replaced by T.
Protein change: p.Glu254Val; replaces glutamic acid 254 with valine.
Molecular consequence: missense variant. On other transcripts: non-coding transcript variant (1), intron variant (3), 5 prime UTR variant (2).
Genome position (GRCh38, 1-based): chr7:5,997,368, T>A on the plus strand (A>T on the coding strand, the complement: PMS2 is on the minus strand). VCF-style: chr7-5997368-T-A. GRCh37 (hg19) VCF-style: chr7-6036999-T-A.
Other names: c.356A>T, p.Glu119Val (NM_001406888.1, NM_001406889.1, NM_001406890.1 and 20 more transcripts); c.188A>T, p.Glu63Val (NM_001406909.1, NM_001322013.2); c.761A>T, p.Glu254Val (NM_001406912.1, NM_001322006.2, NM_001322014.2 and 3 more transcripts); c.132+5085A>T (NM_001406911.1); c.537+5085A>T (NM_001406886.1); c.705+1740A>T (NM_001406873.1); c.452A>T, p.Glu151Val (NM_001406878.1, NM_001406879.1, NM_001406880.1 and 6 more transcripts); c.443A>T, p.Glu148Val (NM_001406883.1, NM_001322007.2, NM_001322008.2 and 4 more transcripts); and 7 more; short protein forms E254V, E83V, E198V, E262V, E63V, E119V, E142V, E218V.
Identifiers: ClinVar variation 2772865 (VCV002772865.4), dbSNP rs1784530360, ClinGen allele CA366743688.
Genomic context (GRCh38, chr7:5,997,368, plus strand): 5'-TGCCAGCAATCTACTTACTAAAAAAGATTATGCAGAGCATCGGAACAGCTCAAACCGTAC[T>A]CTTCACACACGGAGTCACTAGGGGGCAGCTGAACAAAAGGAATGAGGCTTTGCAACTGAA-3'
Protein context (NP_000526.2, residues 244-264): QLPPSDSVCE[Glu254Val]YGLSCSDALH

ClinVar aggregate classification (germline): Uncertain significance. Review status: criteria provided, multiple submitters, no conflicts (2 of 4 stars). 2 submissions from 2 submitters: Uncertain significance (2). Last evaluated 2026-07-20.

Conditions:
Hereditary cancer-predisposing syndrome. Also called: Hereditary Cancer Syndrome; Hereditary neoplastic syndrome; Neoplastic Syndromes, Hereditary; Tumor predisposition. Identifiers: Orphanet 140162, MedGen C0027672, MeSH D009386, MONDO:0015356.
Hereditary nonpolyposis colorectal neoplasms. Identifiers: MedGen C0009405, MeSH D003123.

Submissions (2):

Ambry Genetics
Classification: Uncertain significance for Hereditary cancer-predisposing syndrome. Last evaluated: 2026-07-20. Review status: criteria provided, single submitter. Criteria: Ambry Variant Classification Scheme 2023. Collection method: clinical testing. Allele origin: germline.
Comment: The p.E254V variant (also known as c.761A>T), located in coding exon 7 of the PMS2 gene, results from an A to T substitution at nucleotide position 761. The glutamic acid at codon 254 is replaced by valine, an amino acid with dissimilar properties. This amino acid position is conserved. In addition, this alteration is predicted to be deleterious by in silico analysis. Based on the available evidence, the clinical significance of this variant remains unclear.

Labcorp Genetics (formerly Invitae), Labcorp
Classification: Uncertain significance for Hereditary nonpolyposis colorectal neoplasms. Last evaluated: 2024-04-16. Review status: criteria provided, single submitter. Criteria: Invitae Variant Classification Sherloc (09022015). Collection method: clinical testing. Allele origin: germline.
Comment: This sequence change replaces glutamic acid, which is acidic and polar, with valine, which is neutral and non-polar, at codon 254 of the PMS2 protein (p.Glu254Val). This variant is not present in population databases (gnomAD no frequency). This variant has not been reported in the literature in individuals affected with PMS2-related conditions. Advanced modeling of protein sequence and biophysical properties (such as structural, functional, and spatial information, amino acid conservation, physicochemical variation, residue mobility, and thermodynamic stability) performed at Invitae indicates that this missense variant is expected to disrupt PMS2 protein function with a positive predictive value of 80%. In summary, the available evidence is currently insufficient to determine the role of this variant in disease. Therefore, it has been classified as a Variant of Uncertain Significance.